The following is an entry in ClinVar:

ClinVar aggregate classification (germline): Uncertain significance. Review status: criteria provided, multiple submitters, no conflicts (2 of 4 stars). 3 submissions from 3 submitters: Uncertain significance (3). Last evaluated 2025-08-18.

Conditions:
Familial thoracic aortic aneurysm and aortic dissection (TAAD). Also called: Thoracic aortic aneurysms and dissections. Identifiers: Orphanet 91387, MedGen C4707243, MONDO:0019625.
Aortic aneurysm, familial thoracic 7 (AAT7). Also called: AORTIC DISSECTION, FAMILIAL, WITH OR WITHOUT AORTIC ANEURYSM. Identifiers: MedGen C3151077, MONDO:0013418, OMIM 613780.

Allele frequency attached by ClinVar (database versions not stated): gnomAD 0.00001; gnomAD exomes 0.00001; TOPMed 0.00001; ExAC 0.00002.
gnomAD v4.1: 9 of 1,614,046 alleles (0.00056%); highest among the groups gnomAD compares: Non-Finnish European, 0.00076%; no homozygotes.

Submissions (3):

Labcorp Genetics (formerly Invitae), Labcorp
Classification: Uncertain significance for Aortic aneurysm, familial thoracic 7. Last evaluated: 2025-08-18. Review status: criteria provided, single submitter. Criteria: Invitae Variant Classification Sherloc (09022015). Collection method: clinical testing. Allele origin: germline.
Comment: This sequence change replaces glutamic acid, which is acidic and polar, with alanine, which is neutral and non-polar, at codon 885 of the MYLK protein (p.Glu885Ala). This variant is present in population databases (rs759929158, gnomAD 0.002%). This variant has not been reported in the literature in individuals affected with MYLK-related conditions. ClinVar contains an entry for this variant (Variation ID: 1794354). Invitae Evidence Modeling of protein sequence and biophysical properties (such as structural, functional, and spatial information, amino acid conservation, physicochemical variation, residue mobility, and thermodynamic stability) indicates that this missense variant is not expected to disrupt MYLK protein function with a negative predictive value of 80%. In summary, the available evidence is currently insufficient to determine the role of this variant in disease. Therefore, it has been classified as a Variant of Uncertain Significance.

GeneDx
Classification: Uncertain significance. Last evaluated: 2024-01-17. Review status: criteria provided, single submitter. Criteria: GeneDx Variant Classification Process June 2021. Collection method: clinical testing. Allele origin: germline. Affected: yes.
Comment: Not observed at significant frequency in large population cohorts (gnomAD); In silico analysis supports that this missense variant does not alter protein structure/function; Has not been previously published as pathogenic or benign to our knowledge

Ambry Genetics
Classification: Uncertain significance for Familial thoracic aortic aneurysm and aortic dissection. Last evaluated: 2017-12-20. Review status: criteria provided, single submitter. Criteria: Ambry Variant Classification Scheme 2023. Collection method: clinical testing. Allele origin: germline.
Comment: The p.E885A variant (also known as c.2654A>C), located in coding exon 15 of the MYLK gene, results from an A to C substitution at nucleotide position 2654. The glutamic acid at codon 885 is replaced by alanine, an amino acid with dissimilar properties. This amino acid position is not well conserved in available vertebrate species. In addition, this alteration is predicted to be tolerated by in silico analysis. Since supporting evidence is limited at this time, the clinical significance of this alteration remains unclear.

NM_053025.4(MYLK):c.2654A>C (p.Glu885Ala)

Gene: MYLK (myosin light chain kinase; minus strand). Cytogenetic location: 3q21.1.
Variant type: single nucleotide variant.
Coding change: c.2654A>C on transcript NM_053025.4 (MANE Select); coding-DNA position 2654, A replaced by C.
Protein change: p.Glu885Ala; replaces glutamic acid 885 with alanine.
Molecular consequence: missense variant.
Genome position (GRCh38, 1-based): chr3:123,700,814, T>G on the plus strand (A>C on the coding strand, the complement: MYLK is on the minus strand). VCF-style: chr3-123700814-T-G. GRCh37 (hg19) VCF-style: chr3-123419661-T-G.
Other names: c.2126A>C, p.Glu709Ala (NM_001321309.2); c.2447A>C, p.Glu816Ala (NM_053026.4, NM_053028.4); c.2654A>C, p.Glu885Ala (NM_053027.4); short protein forms E709A, E816A, E885A.
Identifiers: ClinVar variation 1794354 (VCV001794354.8), dbSNP rs759929158, ClinGen allele CA068830.
Genomic context (GRCh38, chr3:123,700,814, plus strand): 5'-ACCTTCTTCCCCAGGAGGTCTCGGAAGTCCAGCTGCTCCACCTCCTGCTGGCGGATCGCC[T>G]CCTCAGTGTGCTGCCTCGTCTCCACGCGCCTCTTCAGCACCCCTCGCACGTCCTCGCCGT-3'
Protein context (NP_444253.3, residues 875-895): RRVETRQHTE[Glu885Ala]AIRQQEVEQL